The following is an entry in ClinVar:

ClinVar aggregate classification (germline): Pathogenic (1 of 4 stars; one submission).

Conditions:
Corneal dystrophy-perceptive deafness syndrome (CDPD). Also called: CORNEAL DYSTROPHY AND SENSORINEURAL DEAFNESS; HARBOYAN SYNDROME. Identifiers: Orphanet 1490, MedGen C1857572, MONDO:0009015, OMIM 217400.

Submission:

Natera, Inc.
Classification: Pathogenic for Corneal dystrophy-perceptive deafness syndrome. Last evaluated: 2025-12-16. Review status: criteria provided, single submitter. Criteria: Natera Variant Classification Schema (03/2026). Collection method: clinical testing. Allele origin: germline.
Comment: The c.2066+2_2066+4delTGT variant in SLC4A11 is a canonical splice donor site variant predicted to affect pre-mRNA splicing, which may result in an abnormal transcript and altered protein product. This variant is expected to result in nonsense mediated decay, truncation, or a dysfunctional protein product. This variant is rare in the general population with a frequency below the threshold expected for the associated phenotype(s). Another variant at this same site results in an alteration predicted to cause a similar molecular effect has been observed in individual(s) with the associated phenotype. Given the available evidence, this variant is classified as Pathogenic.

NM_001174089.2(SLC4A11):c.2018+2_2018+4del

Gene: SLC4A11 (solute carrier family 4 member 11; minus strand). Cytogenetic location: 20p13.
Variant type: Deletion.
Coding change: c.2018+2_2018+4del on transcript NM_001174089.2 (MANE Select); the canonical splice donor site of the intron after coding-DNA position 2018 through 4 bases into the intron after coding-DNA position 2018, 3 bases deleted (TGT; older notation c.2018+2_2018+4delTGT).
Molecular consequence: splice donor variant.
Genome position (GRCh38, 1-based): chr20:3,229,091-3,229,093, ACA deleted on the plus strand (TGT on the coding strand, the reverse complement: SLC4A11 is on the minus strand). VCF-style (leftmost placement, unchanged base first): chr20-3229090-CACA-C. GRCh37 (hg19) VCF-style: chr20-3209736-CACA-C.
Other names: c.1961+2_1961+4del (NM_001400277.1, NM_001400278.1, NM_001400279.1); c.1904+2_1904+4del (NM_001363745.2); c.2033+2_2033+4del (NM_001400280.1); c.2147+2_2147+4del (NM_001174090.2); c.2066+2_2066+4del (NM_032034.4).
Identifiers: ClinVar variation 4816308 (VCV004816308.1).